The following is an entry in ClinVar:

NM_017654.4(SAMD9):c.442G>C (p.Asp148His)

Gene: SAMD9 (sterile alpha motif domain containing 9; minus strand). Cytogenetic location: 7q21.2.
Variant type: single nucleotide variant.
Coding change: c.442G>C on transcript NM_017654.4 (MANE Select); coding-DNA position 442, G replaced by C.
Protein change: p.Asp148His; replaces aspartic acid 148 with histidine.
Molecular consequence: missense variant.
Genome position (GRCh38, 1-based): chr7:93,105,656, C>G on the plus strand (G>C on the coding strand, the complement: SAMD9 is on the minus strand). VCF-style: chr7-93105656-C-G. GRCh37 (hg19) VCF-style: chr7-92734969-C-G.
Other names: c.442G>C, p.Asp148His (NM_001193307.2); short protein forms D148H.
Identifiers: ClinVar variation 3437117 (VCV003437117.3).

ClinVar aggregate classification (germline): Uncertain significance. Review status: criteria provided, multiple submitters, no conflicts (2 of 4 stars). 2 submissions from 2 submitters: Uncertain significance (2). Last evaluated 2024-09-09.

Conditions:
Inborn genetic diseases. Identifiers: MedGen C0950123, MeSH D030342.

gnomAD v4.1: 2 of 1,613,968 alleles (0.00012%); highest among the groups gnomAD compares: Non-Finnish European, 0.00017%; no homozygotes.

Submissions (2):

Ambry Genetics
Classification: Uncertain significance for Inborn genetic diseases. Last evaluated: 2024-09-09. Review status: criteria provided, single submitter. Criteria: Ambry Variant Classification Scheme 2023. Collection method: clinical testing. Allele origin: germline.

Labcorp Genetics (formerly Invitae), Labcorp
Classification: Uncertain significance. Last evaluated: 2024-04-22. Review status: criteria provided, single submitter. Criteria: Invitae Variant Classification Sherloc (09022015). Collection method: clinical testing. Allele origin: germline.
Comment: This sequence change replaces aspartic acid, which is acidic and polar, with histidine, which is basic and polar, at codon 148 of the SAMD9 protein (p.Asp148His). This variant is not present in population databases (gnomAD no frequency). This variant has not been reported in the literature in individuals affected with SAMD9-related conditions. Advanced modeling of protein sequence and biophysical properties (such as structural, functional, and spatial information, amino acid conservation, physicochemical variation, residue mobility, and thermodynamic stability) performed at Invitae indicates that this missense variant is not expected to disrupt SAMD9 protein function with a negative predictive value of 95%. In summary, the available evidence is currently insufficient to determine the role of this variant in disease. Therefore, it has been classified as a Variant of Uncertain Significance.